The following is an entry in ClinVar:

NM_003743.5(NCOA1):c.3825C>T (p.Ser1275=)

Gene: NCOA1 (nuclear receptor coactivator 1; plus strand). Cytogenetic location: 2p23.3.
Variant type: single nucleotide variant.
Coding change: c.3825C>T on transcript NM_003743.5 (MANE Select); coding-DNA position 3825, C replaced by T.
Protein change: p.Ser1275=; no amino-acid change (serine 1275 retained).
Molecular consequence: synonymous variant.
Genome position (GRCh38, 1-based): chr2:24,752,100, C>T. VCF-style: chr2-24752100-C-T. GRCh37 (hg19) VCF-style: chr2-24974969-C-T.
Other names: c.3825C>T, p.Ser1275= (NM_001362950.1, NM_001362952.1, NM_001362954.1 and 3 more transcripts).
Identifiers: ClinVar variation 3357898 (VCV003357898.1).

ClinVar aggregate classification (germline): Likely benign (0 of 4 stars; one submission).

Conditions:
NCOA1-related disorder. Also called: NCOA1-related condition.

gnomAD v4.1: 47 of 1,614,104 alleles (0.0029%); highest among the groups gnomAD compares: African/African-American, 0.02%; no homozygotes.

Submission:

PreventionGenetics, part of Exact Sciences
Classification: Likely benign for NCOA1-related condition. Last evaluated: 2020-11-08. Review status: no assertion criteria provided. Collection method: clinical testing. Allele origin: germline.
Comment: This variant is classified as likely benign based on ACMG/AMP sequence variant interpretation guidelines (Richards et al. 2015 PMID: 25741868, with internal and published modifications).